The following is an entry in ClinVar:

NM_000081.4(LYST):c.833A>G (p.Asn278Ser)

Gene: LYST (lysosomal trafficking regulator; minus strand). Cytogenetic location: 1q42.3.
Variant type: single nucleotide variant.
Coding change: c.833A>G on transcript NM_000081.4 (MANE Select); coding-DNA position 833, A replaced by G.
Protein change: p.Asn278Ser; replaces asparagine 278 with serine.
Molecular consequence: missense variant.
Genome position (GRCh38, 1-based): chr1:235,809,985, T>C on the plus strand (A>G on the coding strand, the complement: LYST is on the minus strand). VCF-style: chr1-235809985-T-C. GRCh37 (hg19) VCF-style: chr1-235973285-T-C.
Other names: c.833A>G, p.Asn278Ser (NM_001301365.1); short protein forms N278S.
Identifiers: ClinVar variation 1442269 (VCV001442269.7), dbSNP rs1673285863, ClinGen allele CA344964073.

ClinVar aggregate classification (germline): Uncertain significance (1 of 4 stars; one submission).

Conditions:
Chédiak-Higashi syndrome (CHS). Also called: Chediak-Higashi Syndrome. Identifiers: Orphanet 167, MedGen C0007965, MONDO:0008963, OMIM 214500.

Allele frequency attached by ClinVar (database versions not stated): TOPMed below 0.00001.

Submission:

Labcorp Genetics (formerly Invitae), Labcorp
Classification: Uncertain significance for Chédiak-Higashi syndrome. Last evaluated: 2024-10-22. Review status: criteria provided, single submitter. Criteria: Invitae Variant Classification Sherloc (09022015). Collection method: clinical testing. Allele origin: germline.
Comment: This sequence change replaces asparagine, which is neutral and polar, with serine, which is neutral and polar, at codon 278 of the LYST protein (p.Asn278Ser). This variant is not present in population databases (gnomAD no frequency). This variant has not been reported in the literature in individuals affected with LYST-related conditions. ClinVar contains an entry for this variant (Variation ID: 1442269). Invitae Evidence Modeling of protein sequence and biophysical properties (such as structural, functional, and spatial information, amino acid conservation, physicochemical variation, residue mobility, and thermodynamic stability) indicates that this missense variant is not expected to disrupt LYST protein function with a negative predictive value of 80%. In summary, the available evidence is currently insufficient to determine the role of this variant in disease. Therefore, it has been classified as a Variant of Uncertain Significance.